The following is an entry in ClinVar:

NM_004621.6(TRPC6):c.2398G>A (p.Glu800Lys)

Gene: TRPC6 (transient receptor potential cation channel subfamily C member 6; minus strand). Cytogenetic location: 11q22.1.
Variant type: single nucleotide variant.
Coding change: c.2398G>A on transcript NM_004621.6 (MANE Select); coding-DNA position 2398, G replaced by A.
Protein change: p.Glu800Lys; replaces glutamic acid 800 with lysine.
Molecular consequence: missense variant.
Genome position (GRCh38, 1-based): chr11:101,471,194, C>T on the plus strand (G>A on the coding strand, the complement: TRPC6 is on the minus strand). VCF-style: chr11-101471194-C-T. GRCh37 (hg19) VCF-style: chr11-101341925-C-T.
Other names: short protein forms E800K.
Identifiers: ClinVar variation 3462051 (VCV003462051.3).

ClinVar aggregate classification (germline): Conflicting classifications of pathogenicity. Review status: criteria provided, conflicting classifications (1 of 4 stars). 3 submissions from 3 submitters: Uncertain significance (2); Likely benign (1). Last evaluated 2024-11-25.

Conditions:
Inborn genetic diseases. Identifiers: MedGen C0950123, MeSH D030342.
Focal segmental glomerulosclerosis 2 (FSGS2). Identifiers: Orphanet 656, MedGen C1858915, MONDO:0011390, OMIM 603965.
TRPC6-related disorder. Also called: TRPC6-related condition.

gnomAD v4.1: 11 of 1,613,726 alleles (0.00068%); highest among the groups gnomAD compares: African/African-American, 0.013%; no homozygotes.

Submissions (3):

PreventionGenetics, part of Exact Sciences
Classification: Uncertain significance for TRPC6-related condition. Last evaluated: 2024-11-25. Review status: criteria provided, single submitter. Criteria: ACMG Guidelines, 2015. Collection method: clinical testing. Allele origin: germline.
Comment: The TRPC6 c.2398G>A variant is predicted to result in the amino acid substitution p.Glu800Lys. To our knowledge, this variant has not been reported in the literature. This variant is reported in 0.012% of alleles in individuals of African descent in gnomAD. Although we suspect that this variant may be benign, at this time, the clinical significance of this variant is uncertain due to the absence of conclusive functional and genetic evidence.

Ambry Genetics
Classification: Likely benign for Inborn genetic diseases. Last evaluated: 2024-10-20. Review status: criteria provided, single submitter. Criteria: Ambry Variant Classification Scheme 2023. Collection method: clinical testing. Allele origin: germline.

Fulgent Genetics
Classification: Uncertain significance for Focal segmental glomerulosclerosis 2. Last evaluated: 2024-03-23. Review status: criteria provided, single submitter. Criteria: ACMG Guidelines, 2015. Collection method: clinical testing. Allele origin: germline.